The following is an entry in ClinVar:

ClinVar aggregate classification (germline): Uncertain significance (1 of 4 stars; one submission).

Allele frequency attached by ClinVar (database versions not stated): ExAC 0.00001; gnomAD exomes 0.00001; gnomAD 0.00010 and 0.00011; ESP Exome Variant Server 0.00017; TOPMed 0.00017.
gnomAD v4.1: 32 of 1,613,218 alleles (0.002%); highest among the groups gnomAD compares: African/African-American, 0.032%; no homozygotes.

Submission:

Labcorp Genetics (formerly Invitae), Labcorp
Classification: Uncertain significance. Last evaluated: 2021-02-04. Review status: criteria provided, single submitter. Criteria: Invitae Variant Classification Sherloc (09022015). Collection method: clinical testing. Allele origin: germline.
Comment: In summary, the available evidence is currently insufficient to determine the role of this variant in disease. Therefore, it has been classified as a Variant of Uncertain Significance. Experimental studies and prediction algorithms are not available or were not evaluated, and the functional significance of this variant is currently unknown. This variant has not been reported in the literature in individuals with HTT-related conditions. This variant is present in population databases (rs372479051, ExAC 0.009%). This sequence change replaces cysteine with serine at codon 1443 of the HTT protein (p.Cys1443Ser). The cysteine residue is weakly conserved and there is a moderate physicochemical difference between cysteine and serine.

NM_001388492.1(HTT):c.4322G>C (p.Cys1441Ser)

Gene: HTT (huntingtin; plus strand). Cytogenetic location: 4p16.3.
Variant type: single nucleotide variant.
Coding change: c.4322G>C on transcript NM_001388492.1 (MANE Select); coding-DNA position 4322, G replaced by C.
Protein change: p.Cys1441Ser; replaces cysteine 1441 with serine.
Molecular consequence: missense variant.
Genome position (GRCh38, 1-based): chr4:3,175,022, G>C. VCF-style: chr4-3175022-G-C. GRCh37 (hg19) VCF-style: chr4-3176749-G-C.
Other names: c.4328G>C, p.Cys1443Ser (NM_002111.8); short protein forms C1441S, C1443S.
Identifiers: ClinVar variation 1420575 (VCV001420575.6), dbSNP rs372479051, ClinGen allele CA2824398.